The following is an entry in ClinVar:

NM_003872.3(NRP2):c.354C>T (p.Ser118=)

Gene: NRP2 (neuropilin 2; plus strand). Cytogenetic location: 2q33.3.
Variant type: single nucleotide variant.
Coding change: c.354C>T on transcript NM_003872.3 (MANE Select); coding-DNA position 354, C replaced by T.
Protein change: p.Ser118=; no amino-acid change (serine 118 retained).
Molecular consequence: synonymous variant.
Genome position (GRCh38, 1-based): chr2:205,716,295, C>T. VCF-style: chr2-205716295-C-T. GRCh37 (hg19) VCF-style: chr2-206581019-C-T.
Other names: c.354C>T, p.Ser118= (NM_018534.4, NM_201264.2, NM_201266.2 and 2 more transcripts).
Identifiers: ClinVar variation 3037045 (VCV003037045.2), dbSNP rs756496733, ClinGen allele CA2068786.

ClinVar aggregate classification (germline): Likely benign (0 of 4 stars; one submission).

Conditions:
NRP2-related disorder. Also called: NRP2-related condition.

Allele frequency attached by ClinVar (database versions not stated): gnomAD 0.00001; TOPMed 0.00002; ExAC 0.00003; gnomAD exomes 0.00005.
gnomAD v4.1: 74 of 1,614,086 alleles (0.0046%); highest among the groups gnomAD compares: Non-Finnish European, 0.0058%; no homozygotes.

Submission:

PreventionGenetics, part of Exact Sciences
Classification: Likely benign for NRP2-related condition. Last evaluated: 2022-11-08. Review status: no assertion criteria provided. Collection method: clinical testing. Allele origin: germline.
Comment: This variant is classified as likely benign based on ACMG/AMP sequence variant interpretation guidelines (Richards et al. 2015 PMID: 25741868, with internal and published modifications).